The following is an entry in ClinVar:

NM_013275.6(ANKRD11):c.2880G>C (p.Glu960Asp)

Gene: ANKRD11 (ankyrin repeat domain 11; minus strand). Cytogenetic location: 16q24.3.
Variant type: single nucleotide variant.
Coding change: c.2880G>C on transcript NM_013275.6 (MANE Select); coding-DNA position 2880, G replaced by C.
Protein change: p.Glu960Asp; replaces glutamic acid 960 with aspartic acid.
Molecular consequence: missense variant.
Genome position (GRCh38, 1-based): chr16:89,283,662, C>G on the plus strand (G>C on the coding strand, the complement: ANKRD11 is on the minus strand). VCF-style: chr16-89283662-C-G. GRCh37 (hg19) VCF-style: chr16-89350070-C-G.
Other names: c.2880G>C, p.Glu960Asp (NM_001256183.2, NM_001256182.2); short protein forms E960D.
Identifiers: ClinVar variation 1197711 (VCV001197711.18), dbSNP rs201826191, ClinGen allele CA8242489.

ClinVar aggregate classification (germline): Conflicting classifications of pathogenicity. Review status: criteria provided, conflicting classifications (1 of 4 stars). 6 submissions from 6 submitters: Uncertain significance (1); Likely benign (3). 2 of the submissions do not count toward it. Last evaluated 2026-07-01.

Conditions:
Inborn genetic diseases. Identifiers: MedGen C0950123, MeSH D030342.
KBG syndrome (KBGS). Also called: ANKRD11-Related KBG Syndrome. Identifiers: Orphanet 2332, MedGen C0220687, MONDO:0007846, OMIM 148050.

Allele frequency attached by ClinVar (database versions not stated): ExAC 0.00006; TOPMed 0.00010; gnomAD 0.00015 and 0.00016.
gnomAD v4.1: 194 of 1,611,962 alleles (0.012%); highest among the groups gnomAD compares: Non-Finnish European, 0.016%; no homozygotes.

Submissions (6):

CeGaT Center for Human Genetics Tuebingen
Classification: Likely benign. Last evaluated: 2026-07-01. Review status: criteria provided, single submitter. Criteria: CeGaT Center For Human Genetics Tuebingen Variant Classification Criteria Version 2. Collection method: clinical testing. Allele origin: germline. Affected: yes. Observed: 2 variant alleles.
Comment: ANKRD11: BP4

Labcorp Genetics (formerly Invitae), Labcorp
Classification: Uncertain significance for KBG syndrome. Last evaluated: 2025-07-23. Review status: criteria provided, single submitter. Criteria: Invitae Variant Classification Sherloc (09022015). Collection method: clinical testing. Allele origin: germline.
Comment: This sequence change replaces glutamic acid, which is acidic and polar, with aspartic acid, which is acidic and polar, at codon 960 of the ANKRD11 protein (p.Glu960Asp). This variant is present in population databases (rs201826191, gnomAD 0.02%). This variant has not been reported in the literature in individuals affected with ANKRD11-related conditions. ClinVar contains an entry for this variant (Variation ID: 1197711). Invitae Evidence Modeling of protein sequence and biophysical properties (such as structural, functional, and spatial information, amino acid conservation, physicochemical variation, residue mobility, and thermodynamic stability) indicates that this missense variant is not expected to disrupt ANKRD11 protein function with a negative predictive value of 95%. In summary, the available evidence is currently insufficient to determine the role of this variant in disease. Therefore, it has been classified as a Variant of Uncertain Significance.

GeneDx
Classification: Likely benign. Last evaluated: 2021-01-21. Review status: criteria provided, single submitter. Criteria: GeneDx Variant Classification Process June 2021. Collection method: clinical testing. Allele origin: germline. Affected: yes.

Ambry Genetics
Classification: Likely benign for Inborn genetic diseases. Last evaluated: 2018-05-18. Review status: criteria provided, single submitter. Criteria: Ambry Variant Classification Scheme 2023. Collection method: clinical testing. Allele origin: germline.

Clinical Genetics DNA and cytogenetics Diagnostics Lab, Erasmus MC, Erasmus Medical Center
Classification: Likely benign. Review status: no assertion criteria provided. Collection method: clinical testing. Allele origin: germline. Affected: yes. Study: VKGL Data-share Consensus. Not counted in ClinVar's aggregate classification.

Diagnostic Laboratory, Department of Genetics, University Medical Center Groningen
Classification: Likely benign. Review status: no assertion criteria provided. Collection method: clinical testing. Allele origin: germline. Affected: yes. Study: VKGL Data-share Consensus. Not counted in ClinVar's aggregate classification.

Literature cited by the submitters: PubMed 29517769 (cited by Ambry Genetics).